The following is an entry in ClinVar:

ClinVar aggregate classification (germline): Likely benign (1 of 4 stars; one submission).

Allele frequency attached by ClinVar (database versions not stated): 1000 Genomes Project 30x 0.00172; 1000 Genomes Project 0.00180; TOPMed 0.00181; ESP Exome Variant Server 0.00215; gnomAD 0.00238; ExAC 0.00321.
gnomAD v4.1: 4,569 of 1,583,210 alleles (0.29%); highest among the groups gnomAD compares: Non-Finnish European, 0.32%; 6 homozygotes.

Submission:

CeGaT Center for Human Genetics Tuebingen
Classification: Likely benign. Last evaluated: 2025-09-01. Review status: criteria provided, single submitter. Criteria: CeGaT Center For Human Genetics Tuebingen Variant Classification Criteria Version 2. Collection method: clinical testing. Allele origin: germline. Affected: yes. Observed: 4 variant alleles.
Comment: MOS: BP4, BP7

NM_005372.1(MOS):c.972C>T (p.Ser324=)

Gene: MOS (MOS proto-oncogene, serine/threonine kinase; minus strand). Cytogenetic location: 8q12.1.
Variant type: single nucleotide variant.
Coding change: c.972C>T on transcript NM_005372.1 (MANE Select); coding-DNA position 972, C replaced by T.
Protein change: p.Ser324=; no amino-acid change (serine 324 retained).
Molecular consequence: synonymous variant.
Genome position (GRCh38, 1-based): chr8:56,113,011, G>A on the plus strand (C>T on the coding strand, the complement: MOS is on the minus strand). VCF-style: chr8-56113011-G-A. GRCh37 (hg19) VCF-style: chr8-57025570-G-A.
Identifiers: ClinVar variation 1879712 (VCV001879712.29), dbSNP rs140662288, ClinGen allele CA4754586.